The following is an entry in ClinVar:

ClinVar aggregate classification (germline): Uncertain significance (1 of 4 stars; one submission).

Submission:

Greenwood Genetic Center Diagnostic Laboratories, Greenwood Genetic Center
Classification: Uncertain significance. Last evaluated: 2024-10-25. Review status: criteria provided, single submitter. Criteria: ACMG Guidelines, 2015. Collection method: clinical testing. Allele origin: germline. Affected: yes.
Comment: Gene of Uncertain Significance

NM_015401.5(HDAC7):c.2222T>C (p.Leu741Pro)

Gene: HDAC7 (histone deacetylase 7; minus strand). Cytogenetic location: 12q13.11.
Variant type: single nucleotide variant.
Coding change: c.2222T>C on transcript NM_015401.5 (MANE Select); coding-DNA position 2222, T replaced by C.
Protein change: p.Leu741Pro; replaces leucine 741 with proline.
Molecular consequence: missense variant. On other transcripts: non-coding transcript variant (2).
Genome position (GRCh38, 1-based): chr12:47,789,274, A>G on the plus strand (T>C on the coding strand, the complement: HDAC7 is on the minus strand). VCF-style: chr12-47789274-A-G. GRCh37 (hg19) VCF-style: chr12-48183057-A-G.
Other names: c.2111T>C, p.Leu704Pro (NM_001098416.4); c.2171T>C, p.Leu724Pro (NM_001308090.2); c.2264T>C, p.Leu755Pro (NM_001368046.1); short protein forms L704P, L724P, L741P, L755P.
Identifiers: ClinVar variation 3765728 (VCV003765728.1).